The following is an entry in ClinVar:

ClinVar aggregate classification (germline): Likely pathogenic. Review status: criteria provided, single submitter (1 of 4 stars). 2 submissions from 2 submitters: Likely pathogenic (1). 1 of the submissions does not count toward it. Last evaluated 2024-12-18.

Conditions:
Neurodegeneration with brain iron accumulation (NBIA). Identifiers: Orphanet 385, MedGen C2931845, MONDO:0018307.
Deficiency of ferroxidase (ACEP). Also called: Deficiency of ceruloplasmin; Aceruloplasminemia; Ceruloplasmin deficiency; Familial apoceruloplasmin deficiency; Hereditary ceruloplasmin deficiency; NEURODEGENERATION WITH BRAIN IRON ACCUMULATION 10. Identifiers: Orphanet 48818, MedGen C0878682, MONDO:0011426, OMIM 604290, HP:0025498.

Allele frequency attached by ClinVar (database versions not stated): gnomAD exomes below 0.00001; TOPMed below 0.00001; gnomAD 0.00003.
gnomAD v4.1: 2 of 1,613,846 alleles (0.00012%); highest among the groups gnomAD compares: Non-Finnish European, 0.00017%; no homozygotes.

Submissions (2):

Women's Health and Genetics/Laboratory Corporation of America, LabCorp
Classification: Likely pathogenic for Neurodegeneration with brain iron accumulation. Last evaluated: 2024-12-18. Review status: criteria provided, single submitter. Criteria: LabCorp Variant Classification Summary - May 2015. Collection method: clinical testing. Allele origin: germline.
Comment: Variant summary: CP c.1049C>A (p.Ala350Asp) results in a non-conservative amino acid change located in the Multicopper oxidase domain (IPR001117) of the encoded protein sequence. Five of five in-silico tools predict a damaging effect of the variant on protein function. The variant was absent in 251124 control chromosomes (gnomAD). c.1049C>A (aka. A331D) has been reported in the homozygous state in the literature in multiple individuals affected with clinical or laboratory features of Neurodegeneration With Brain Iron Accumulation (examples, Perez-Aguilar_2005, Kassubek_2017), including at least 1 family where this variant segregated with near complete absence of detectable ceruloplasmin in serum. These data indicate that the variant is likely to be associated with disease. Publications also reported experimental evidence evaluating an impact on protein function and demonstrated that the variant protein was retained in the endoplasmic reticulum, presumably due to misfolding (Kono_2010), furthermore indirect evidence indicated a partial ferroxidase activity (di Patti_2009). The following publications have been ascertained in the context of this evaluation (PMID: 28431603, 20655381, 15885371, 32235485, 19095659). ClinVar contains an entry for this variant (Variation ID: 42047). Based on the evidence outlined above, the variant was classified as likely pathogenic.

GeneReviews
Classification: Pathogenic for Aceruloplasminemia. Last evaluated: 2013-04-18. Review status: no assertion criteria provided. Collection method: curation. Allele origin: unknown. Not counted in ClinVar's aggregate classification.
ClinVar note: Converted during submission from pathologic to Pathogenic.

Literature cited by the submitters: PubMed 28431603 (cited by Women's Health and Genetics/Laboratory Corporation of America, LabCorp); PubMed 20655381 (cited by Women's Health and Genetics/Laboratory Corporation of America, LabCorp); PubMed 15885371 (cited by Women's Health and Genetics/Laboratory Corporation of America, LabCorp); PubMed 32235485 (cited by Women's Health and Genetics/Laboratory Corporation of America, LabCorp); PubMed 19095659 (cited by Women's Health and Genetics/Laboratory Corporation of America, LabCorp).

NM_000096.4(CP):c.1049C>A (p.Ala350Asp)

Gene: CP (ceruloplasmin; minus strand). Cytogenetic location: 3q25.1.
Variant type: single nucleotide variant.
Coding change: c.1049C>A on transcript NM_000096.4 (MANE Select); coding-DNA position 1049, C replaced by A.
Protein change: p.Ala350Asp; replaces alanine 350 with aspartic acid.
Molecular consequence: missense variant. On other transcripts: non-coding transcript variant (1).
Genome position (GRCh38, 1-based): chr3:149,206,327, G>T on the plus strand (C>A on the coding strand, the complement: CP is on the minus strand). VCF-style: chr3-149206327-G-T. GRCh37 (hg19) VCF-style: chr3-148924114-G-T.
Other names: A331D; short protein forms A350D.
Identifiers: ClinVar variation 42047 (VCV000042047.5), dbSNP rs386134127, ClinGen allele CA344477.